The following is an entry in ClinVar:

NM_001018005.2(TPM1):c.25C>T (p.Gln9Ter)

Gene: TPM1 (tropomyosin 1; plus strand). Cytogenetic location: 15q22.2.
Variant type: single nucleotide variant.
Coding change: c.25C>T on transcript NM_001018005.2 (MANE Select); coding-DNA position 25, C replaced by T.
Protein change: p.Gln9Ter; replaces glutamine 9 with a stop codon.
Molecular consequence: nonsense. On other transcripts: non-coding transcript variant (11).
Genome position (GRCh38, 1-based): chr15:63,042,854, C>T. VCF-style: chr15-63042854-C-T. GRCh37 (hg19) VCF-style: chr15-63335053-C-T.
Other names: c.25C>T, p.Gln9Ter (NM_000366.6, NM_001018004.2, NM_001018006.2 and 24 more transcripts); short protein forms Q9*.
Identifiers: ClinVar variation 2691401 (VCV002691401.1), dbSNP rs730881149, ClinGen allele CA392717968.

ClinVar aggregate classification (germline): Uncertain significance (1 of 4 stars; one submission).

Submission:

Women's Health and Genetics/Laboratory Corporation of America, LabCorp
Classification: Uncertain significance. Last evaluated: 2023-12-26. Review status: criteria provided, single submitter. Criteria: LabCorp Variant Classification Summary - May 2015. Collection method: clinical testing. Allele origin: germline.
Comment: Variant summary: TPM1 c.25C>T (p.Gln9X) results in a premature termination codon, predicted to cause a truncation of the encoded protein or absence of the protein due to nonsense mediated decay, however current evidence is not sufficient to establish loss-of-function variants in TPM1 as causative of disease. The variant was absent in 248982 control chromosomes. The available data on variant occurrences in the general population are insufficient to allow any conclusion about variant significance. To our knowledge, no occurrence of c.25C>T in individuals affected with Cardiomyopathy and no experimental evidence demonstrating its impact on protein function have been reported. No submitters have cited clinical-significance assessments for this variant to ClinVar after 2014. Based on the evidence outlined above, the variant was classified as uncertain significance.